The following is an entry in ClinVar:

ClinVar aggregate classification (germline): Uncertain significance (1 of 4 stars; one submission).

Conditions:
Neuropathy, hereditary sensory, type 2C. Also called: KIF1A-Related HSAN2 (HSAN2C); Hereditary sensory and autonomic neuropathy type IIC. Identifiers: Orphanet 970, MedGen C3280168, MONDO:0013634, OMIM 614213.
Intellectual disability, autosomal dominant 9 (NESCAVS). Also called: NESCAV SYNDROME; KIF1A-Related Neurodevelopmental Disorder. Identifiers: Orphanet 662367, MedGen C5393830, MONDO:0013656, OMIM 614255.
Hereditary spastic paraplegia 30. Identifiers: Orphanet 101010, MedGen C5235139, MONDO:0012476.

Allele frequency attached by ClinVar (database versions not stated): gnomAD exomes below 0.00001 and 0.00001; ExAC 0.00001.
gnomAD v4.1: 5 of 1,604,784 alleles (0.00031%); highest among the groups gnomAD compares: South Asian, 0.0011%; no homozygotes.

Submission:

Labcorp Genetics (formerly Invitae), Labcorp
Classification: Uncertain significance for Hereditary spastic paraplegia 30; Neuropathy, hereditary sensory, type 2C; Intellectual disability, autosomal dominant 9. Last evaluated: 2024-09-09. Review status: criteria provided, single submitter. Criteria: Invitae Variant Classification Sherloc (09022015). Collection method: clinical testing. Allele origin: germline.
Comment: This sequence change replaces aspartic acid, which is acidic and polar, with asparagine, which is neutral and polar, at codon 765 of the KIF1A protein (p.Asp765Asn). This variant is present in population databases (rs745722085, gnomAD 0.002%). This variant has not been reported in the literature in individuals affected with KIF1A-related conditions. ClinVar contains an entry for this variant (Variation ID: 648731). Invitae Evidence Modeling of protein sequence and biophysical properties (such as structural, functional, and spatial information, amino acid conservation, physicochemical variation, residue mobility, and thermodynamic stability) has been performed for this missense variant. However, the output from this modeling did not meet the statistical confidence thresholds required to predict the impact of this variant on KIF1A protein function. In summary, the available evidence is currently insufficient to determine the role of this variant in disease. Therefore, it has been classified as a Variant of Uncertain Significance.

NM_001244008.2(KIF1A):c.2320G>A (p.Asp774Asn)

Gene: KIF1A (kinesin family member 1A; minus strand). Cytogenetic location: 2q37.3.
Variant type: single nucleotide variant.
Coding change: c.2320G>A on transcript NM_001244008.2 (MANE Select); coding-DNA position 2320, G replaced by A.
Protein change: p.Asp774Asn; replaces aspartic acid 774 with asparagine.
Molecular consequence: missense variant.
Genome position (GRCh38, 1-based): chr2:240,760,789, C>T on the plus strand (G>A on the coding strand, the complement: KIF1A is on the minus strand). VCF-style: chr2-240760789-C-T. GRCh37 (hg19) VCF-style: chr2-241700206-C-T.
Other names: c.2320G>A, p.Asp774Asn (NM_001320705.2, NM_001330289.2, NM_001379638.1); c.2395G>A, p.Asp799Asn (NM_001330290.2, NM_001379631.1, NM_001379634.1 and 2 more transcripts); c.2293G>A, p.Asp765Asn (NM_001379632.1, NM_001379633.1, NM_001379636.1 and 10 more transcripts); c.2368G>A, p.Asp790Asn (NM_001379637.1, NM_001379648.1); short protein forms D765N, D799N, D774N, D790N.
Identifiers: ClinVar variation 648731 (VCV000648731.9), dbSNP rs745722085, ClinGen allele CA2208128.